The following is an entry in ClinVar:

NM_014208.3(DSPP):c.2889_2906dup (p.Ser969_Asp970insAsnSerSerAspSerSer)

Genes: DMP1-AS1 (DMP1 and DSPP antisense RNA 1; minus strand), DSPP (dentin sialophosphoprotein; plus strand). Cytogenetic location: 4q22.1.
Variant type: Duplication.
Coding change: c.2889_2906dup on transcript NM_014208.3 (MANE Select); coding-DNA positions 2889 to 2906, 18 bases duplicated (CAACAGCAGTGACAGCAG).
Protein change: p.Ser969_Asp970insAsnSerSerAspSerSer.
Molecular consequence: inframe insertion.
Genome position (GRCh38, 1-based): chr4:87,615,551-87,615,568, CAACAGCAGTGACAGCAG duplicated; duplicating any 18 consecutive bases within chr4:87,615,537-87,615,568 gives the same sequence; the c. name uses the placement nearest the transcript's 3' end. VCF-style (leftmost placement, unchanged base first): chr4-87615536-T-TAGCAGTGACAGCAGCAAC. GRCh37 (hg19) VCF-style: chr4-88536688-T-TAGCAGTGACAGCAGCAAC.
Identifiers: ClinVar variation 2654897 (VCV002654897.24), dbSNP rs780699060, ClinGen allele CA3001338.

ClinVar aggregate classification (germline): Benign (1 of 4 stars; one submission).

Submission:

CeGaT Center for Human Genetics Tuebingen
Classification: Benign. Last evaluated: 2022-07-01. Review status: criteria provided, single submitter. Criteria: CeGaT Center For Human Genetics Tuebingen Variant Classification Criteria Version 2. Collection method: clinical testing. Allele origin: germline. Affected: yes. Observed: 2 variant alleles.
Comment: DSPP: BS1, BS2